The following is an entry in ClinVar:

NM_001128849.1(SMARCA4):c.3874delG

Gene: SMARCA4 (SWI/SNF related BAF chromatin remodeling complex subunit ATPase 4; plus strand). Cytogenetic location: 19p13.2.
Variant type: Deletion.
Coding change: c.3874delG on transcript NM_001128849.1; coding-DNA position 3874, one base deleted (G).
Genome position (GRCh38, 1-based): chr19:11,034,123, G deleted; the last of 2 consecutive G bases (chr19:11,034,122-11,034,123); deleting either gives the same sequence. VCF-style (leftmost placement, unchanged base first): chr19-11034121-AG-A. GRCh37 (hg19) VCF-style: chr19-11144797-AG-A.
Identifiers: ClinVar variation 1735739 (VCV001735739.7), dbSNP rs2515320719, ClinGen allele CA2580096340.

ClinVar aggregate classification (germline): Pathogenic. Review status: criteria provided, multiple submitters, no conflicts (2 of 4 stars). 2 submissions from 2 submitters: Pathogenic (2). Last evaluated 2022-04-08.

Conditions:
Rhabdoid tumor predisposition syndrome 2 (RTPS2). Identifiers: Orphanet 231108, Orphanet 69077, MedGen C2750074, MONDO:0013224, OMIM 613325.
Hereditary cancer-predisposing syndrome. Also called: Hereditary neoplastic syndrome; Neoplastic Syndromes, Hereditary; Tumor predisposition; Hereditary Cancer Syndrome. Identifiers: Orphanet 140162, MedGen C0027672, MeSH D009386, MONDO:0015356.

Submissions (2):

Labcorp Genetics (formerly Invitae), Labcorp
Classification: Pathogenic for Rhabdoid tumor predisposition syndrome 2. Last evaluated: 2022-04-08. Review status: criteria provided, single submitter. Criteria: Invitae Variant Classification Sherloc (09022015). Collection method: clinical testing. Allele origin: germline.
Comment: For these reasons, this variant has been classified as Pathogenic. Algorithms developed to predict the effect of sequence changes on RNA splicing suggest that this variant may disrupt the consensus splice site. This variant has not been reported in the literature in individuals affected with SMARCA4-related conditions. This variant is not present in population databases (gnomAD no frequency). This sequence change creates a premature translational stop signal (p.Glu1292Argfs*14) in the SMARCA4 gene. It is expected to result in an absent or disrupted protein product. Loss-of-function variants in SMARCA4 are known to be pathogenic (PMID: 24658001, 24658002).

Ambry Genetics
Classification: Pathogenic for Hereditary cancer-predisposing syndrome. Last evaluated: 2021-06-30. Review status: criteria provided, single submitter. Criteria: Ambry Variant Classification Scheme 2023. Collection method: clinical testing. Allele origin: germline.
Comment: The c.3874delG variant, located in coding exon 27 of the SMARCA4 gene, results from a deletion of one nucleotide at nucleotide position 3874, causing a translational frameshift with a predicted alternate stop codon (p.E1292Rfs*14). This alteration is expected to result in loss of function by premature protein truncation or nonsense-mediated mRNA decay. Loss-of-function variants in SMARCA4 are known to cause rhabdoid tumor predisposition syndrome including small cell carcinoma of the ovary-hypercalcemic type (SCCOHT); however, such associations with neurodevelopmental disorders are exceedingly rare (Kosho T et al. Am J Med Genet C Semin Med Genet. 2014 Sep;166C(3):262-75; Jelinic P et al. Nat Genet. 2014 May;46(5):424-6). Based on the supporting evidence, this alteration is pathogenic for rhabdoid tumor predisposition syndrome; however, the association of this alteration with Coffin-Siris syndrome is unlikely.

Literature cited by the submitters: PubMed 24658001 (cited by Labcorp Genetics (formerly Invitae), Labcorp); PubMed 24658002 (cited by Labcorp Genetics (formerly Invitae), Labcorp).